The following is an entry in ClinVar:

NM_014780.5(CUL7):c.2386G>A (p.Gly796Ser)

Gene: CUL7 (cullin 7; minus strand). Cytogenetic location: 6p21.1.
Variant type: single nucleotide variant.
Coding change: c.2386G>A on transcript NM_014780.5 (MANE Select); coding-DNA position 2386, G replaced by A.
Protein change: p.Gly796Ser; replaces glycine 796 with serine.
Molecular consequence: missense variant.
Genome position (GRCh38, 1-based): chr6:43,046,891, C>T on the plus strand (G>A on the coding strand, the complement: CUL7 is on the minus strand). VCF-style: chr6-43046891-C-T. GRCh37 (hg19) VCF-style: chr6-43014629-C-T.
Other names: c.2482G>A, p.Gly828Ser (NM_001168370.2, NM_001374872.1); c.2386G>A, p.Gly796Ser (NM_001374873.1, NM_001374874.1); c.2386G>A (NM_014780.4); short protein forms G828S, G796S.
Identifiers: ClinVar variation 1989607 (VCV001989607.3), dbSNP rs759392200, ClinGen allele CA3813913.

ClinVar aggregate classification (germline): Uncertain significance. Review status: criteria provided, multiple submitters, no conflicts (2 of 4 stars). 2 submissions from 2 submitters: Uncertain significance (2). Last evaluated 2025-12-10.

Conditions:
Inborn genetic diseases. Identifiers: MedGen C0950123, MeSH D030342.

Allele frequency attached by ClinVar (database versions not stated): gnomAD 0.00002; ExAC 0.00002; TOPMed 0.00002; gnomAD exomes 0.00009.
gnomAD v4.1: 130 of 1,601,332 alleles (0.0081%); highest among the groups gnomAD compares: Non-Finnish European, 0.011%; no homozygotes.

Submissions (2):

Ambry Genetics
Classification: Uncertain significance for Inborn genetic diseases. Last evaluated: 2025-12-10. Review status: criteria provided, single submitter. Criteria: Ambry Variant Classification Scheme 2023. Collection method: clinical testing. Allele origin: germline.

Labcorp Genetics (formerly Invitae), Labcorp
Classification: Uncertain significance. Last evaluated: 2022-03-11. Review status: criteria provided, single submitter. Criteria: Invitae Variant Classification Sherloc (09022015). Collection method: clinical testing. Allele origin: germline.
Comment: In summary, the available evidence is currently insufficient to determine the role of this variant in disease. Therefore, it has been classified as a Variant of Uncertain Significance. Algorithms developed to predict the effect of missense changes on protein structure and function (SIFT, PolyPhen-2, Align-GVGD) all suggest that this variant is likely to be disruptive. This variant has not been reported in the literature in individuals affected with CUL7-related conditions. This variant is present in population databases (rs759392200, gnomAD 0.002%). This sequence change replaces glycine, which is neutral and non-polar, with serine, which is neutral and polar, at codon 796 of the CUL7 protein (p.Gly796Ser).